The following is an entry in ClinVar:

ClinVar aggregate classification (germline): Pathogenic (1 of 4 stars; one submission).

Submission:

Labcorp Genetics (formerly Invitae), Labcorp
Classification: Pathogenic. Last evaluated: 2022-09-30. Review status: criteria provided, single submitter. Criteria: Invitae Variant Classification Sherloc (09022015). Collection method: clinical testing. Allele origin: germline.
Comment: A gross deletion of the genomic region encompassing the full coding sequence of the LEMD3 gene has been identified. Loss-of-function variants in LEMD3 are known to be pathogenic (PMID: 15489854, 19438932). The boundaries of this event are unknown as they extend beyond the assayed region for this gene and therefore may encompass additional genes. A similar copy number variant has been observed in individual(s) with LEMD3-related conditions (PMID: 15489854). For these reasons, this variant has been classified as Pathogenic.

Literature cited by the submitters: PubMed 15489854; PubMed 19438932.

NC_000012.11:g.(?_64849651)_(65857102_?)del

Genes: GNS (glucosamine (N-acetyl)-6-sulfatase; minus strand), LEMD3 (LEM domain containing 3; plus strand), MSRB3 (methionine sulfoxide reductase B3; plus strand), RASSF3 (Ras association domain family member 3; plus strand), TBC1D30 (TBC1 domain family member 30; plus strand) and 2 more. Cytogenetic location: 12q14.2-14.3.
Variant type: Deletion.
Identifiers: ClinVar variation 2425940 (VCV002425940.3).